The following is an entry in ClinVar:

ClinVar aggregate classification (germline): Pathogenic. Review status: reviewed by expert panel (3 of 4 stars). 6 submissions from 6 submitters: Pathogenic (1). 5 of the submissions do not count toward it. Last evaluated 2025-12-19.

Conditions:
Retinitis pigmentosa 20 (RP20). Identifiers: Orphanet 791, MedGen C3151086, MONDO:0013425, OMIM 613794.
Autosomal recessive retinitis pigmentosa. Identifiers: MedGen C0339526.
Leber congenital amaurosis 2 (LCA2). Also called: AMAUROSIS CONGENITA OF LEBER II; Autosomal Recessive RPE65-Related Retinal Degeneration. Identifiers: Orphanet 65, MedGen C1859844, MONDO:0008765, OMIM 204100. Disease mechanism: loss of function.
RPE65-related recessive retinopathy. Also called: Recessive RPE65 retinopathy. Identifiers: MedGen CN305526, MONDO:0100368.

Allele frequency attached by ClinVar (database versions not stated): gnomAD exomes below 0.00001; gnomAD 0.00001.
gnomAD v4.1: 2 of 1,613,878 alleles (0.00012%); highest among the groups gnomAD compares: Non-Finnish European, 0.00017%; no homozygotes.

Submissions (6):

ClinGen Leber Congenital Amaurosis/early Onset Retinal Dystrophy Variant Curation Expert Panel, ClinGen
Classification: Pathogenic for RPE65-related recessive retinopathy. Last evaluated: 2025-12-19. Review status: reviewed by expert panel. Criteria: ClinGen LCAeoRD ACMG Specifications RPE65 V1.0.0. Collection method: curation. Allele origin: germline. Inheritance: Autosomal recessive inheritance.
Comment: NM_000329.3(RPE65):c.993G>A (p.Trp331Ter) is a nonsense variant that introduces a premature stop codon into exon 9 of 14, and is predicted to lead to nonsense-mediated decay in a gene in which loss-of-function is an established mechanism of disease (PVS1). This variant is present in gnomAD v.4.1.0 at a GrpMax allele frequency of 2.800e-7 with 2 alleles / 1179940 total alleles in the European (Non-Finnish) population, which is lower than the ClinGen LCA / eoRD VCEP PM2_Supporting threshold of <0.0002 (PM2_Supporting). This variant has been reported in 1 proband with early-onset severe retinal dystrophy who harbored the variant in the homozygous state ( 0.5 points; PMID: 31725702). This variant has also been reported in 1 proband with early-onset severe retinal dystrophy who harbored the variant in the compound heterozygous state with NM_000329.3(RPE65):c.906_907del (p.Asn302LysfsTer17) (PMID: 26047050). This proband was not counted for this criterion (PM3) to avoid circularity. (0.5 total points, PM3_Supporting). At least one proband harboring this variant exhibits a phenotype including diagnosis of LCA (0.5 pts) with nystagmus (1 pt), hyperopia, granular white/gray pigment in mid-peripheral retina (2 pts), and extinguished rod (0.5 pts) and cone (1 pt) ERG. Screening of a gene panel with 163 genes did not reveal any additional variants of interest (2 pts). Together these phenotypes are specific for RPE65-related recessive retinopathy (total 7 points, PMID: 260 47050, PP4). The variant has been reported to segregate with childhood-onset severe retinal dystrophy through the proband plus 1 similarly affected relative, with the variant present in the compound heterozygous state (PP1; PMID: 26047050). In summary, this variant meets the criteria to be classified as Pathogenic for RPE65-related recessive retinopathy based on the ACMG/AMP criteria applied, as specified by the ClinGen LCA/eoRD VCEP: PVS1, PM2_Supporting, PP4, PM3_Supporting, and PP1. (VCEP specifications version 1.0.0; date of approval 09/21/2023).

Dubai Health Genomic Medicine Center, Dubai Health
Classification: Likely pathogenic for Retinitis pigmentosa 20. Last evaluated: 2024-10-04. Review status: criteria provided, single submitter. Criteria: ACMG Guidelines, 2015. Collection method: research. Allele origin: germline. Affected: yes. Not counted in ClinVar's aggregate classification.
Comment: PVS1,PM2

Myriad Genetics, Inc.
Classification: Pathogenic for RPE65-related recessive retinopathy. Last evaluated: 2024-05-14. Review status: criteria provided, single submitter. Criteria: Myriad Autosomal Dominant, Autosomal Recessive and X-Linked Classification Criteria (2023). Collection method: clinical testing. Allele origin: unknown. Not counted in ClinVar's aggregate classification.
Comment: NM_000329.2(RPE65):c.993G>A(W331*) is expected to be pathogenic in the context of inherited retinal dystrophy, RPE65-related. This variant is predicted to lead to an abnormal or absent protein product due to the creation of a premature termination codon in RPE65, a gene where loss-of-function variants are known to be pathogenic. Please note: this variant was assessed in the context of healthy population screening.

Labcorp Genetics (formerly Invitae), Labcorp
Classification: Pathogenic for Leber congenital amaurosis 2; Retinitis pigmentosa 20. Last evaluated: 2022-08-05. Review status: criteria provided, single submitter. Criteria: Invitae Variant Classification Sherloc (09022015). Collection method: clinical testing. Allele origin: germline. Not counted in ClinVar's aggregate classification.
Comment: For these reasons, this variant has been classified as Pathogenic. ClinVar contains an entry for this variant (Variation ID: 973960). This premature translational stop signal has been observed in individual(s) with Leber congenital amaurosis (PMID: 26047050). This variant is not present in population databases (gnomAD no frequency). This sequence change creates a premature translational stop signal (p.Trp331*) in the RPE65 gene. It is expected to result in an absent or disrupted protein product. Loss-of-function variants in RPE65 are known to be pathogenic (PMID: 9326941, 9501220, 9843205, 18632300).

Faculty of Health Sciences, Beirut Arab University
Classification: Pathogenic for Autosomal recessive Retinitis Pigmentosa. Last evaluated: 2019-11-08. Review status: no assertion criteria provided. Collection method: literature only. Allele origin: germline. Affected: yes. Observed: 1 variant allele. Not counted in ClinVar's aggregate classification.

Laboratory of Genetics in Ophthalmology, Institut Imagine
Classification: Pathogenic for Leber congenital amaurosis 2. Review status: no assertion criteria provided. Collection method: research. Allele origin: inherited. Affected: yes. Observed: 1 variant allele. Not counted in ClinVar's aggregate classification.

Literature cited by the submitters: PubMed 26047050 (cited by Labcorp Genetics (formerly Invitae), Labcorp and Laboratory of Genetics in Ophthalmology, Institut Imagine); PubMed 9326941 (cited by Labcorp Genetics (formerly Invitae), Labcorp); PubMed 9501220 (cited by Labcorp Genetics (formerly Invitae), Labcorp); PubMed 9843205 (cited by Labcorp Genetics (formerly Invitae), Labcorp); PubMed 18632300 (cited by Labcorp Genetics (formerly Invitae), Labcorp); PubMed 31725702 (cited by Faculty of Health Sciences, Beirut Arab University).

NM_000329.3(RPE65):c.993G>A (p.Trp331Ter)

Gene: RPE65 (retinoid isomerohydrolase RPE65; minus strand). Cytogenetic location: 1p31.3.
Variant type: single nucleotide variant.
Coding change: c.993G>A on transcript NM_000329.3 (MANE Select); coding-DNA position 993, G replaced by A.
Protein change: p.Trp331Ter; replaces tryptophan 331 with a stop codon.
Molecular consequence: nonsense.
Genome position (GRCh38, 1-based): chr1:68,438,947, C>T on the plus strand (G>A on the coding strand, the complement: RPE65 is on the minus strand). VCF-style: chr1-68438947-C-T. GRCh37 (hg19) VCF-style: chr1-68904630-C-T.
Other names: NM_000329.3(RPE65):c.993G>A; p.Trp331Ter; short protein forms W331*.
Identifiers: ClinVar variation 973960 (VCV000973960.10), dbSNP rs1645879569, ClinGen allele CA340744580.